The following is an entry in ClinVar:

ClinVar aggregate classification (germline): Pathogenic/Likely pathogenic. Review status: criteria provided, multiple submitters, no conflicts (2 of 4 stars). 2 submissions from 2 submitters: Pathogenic (1); Likely pathogenic (1). Last evaluated 2024-03-13.

Conditions:
Cardiovascular phenotype. Identifiers: MedGen CN230736.
Cardiomyopathy (CMYO). Also called: Cardiomyopathies. Identifiers: Orphanet 167848, MedGen C0878544, MONDO:0004994, HP:0001638. Inheritance: Various modes of inheritance.

Submissions (2):

Ambry Genetics
Classification: Pathogenic for Cardiovascular phenotype. Last evaluated: 2024-03-13. Review status: criteria provided, single submitter. Criteria: Ambry Variant Classification Scheme 2023. Collection method: clinical testing. Allele origin: germline.
Comment: The c.3330+2T>A intronic pathogenic mutation results from a T to A substitution two nucleotides after coding exon 30 in the MYBPC3 gene. This variant is considered to be rare based on population cohorts in the Genome Aggregation Database (gnomAD). This nucleotide position is highly conserved in available vertebrate species. In silico splice site analysis predicts that this alteration will weaken the native splice donor site and may result in the creation or strengthening of a novel splice donor site. Another alteration impacting the same donor site (c.3330+2T>G) has been detected in multiple individuals with hypertrophic cardiomyopathy, and RNA studies have indicated that the variant results in exon 30 skipping (Theis JL et al. Circ Heart Fail. 2009;2:325-33; Miller EM et al. J Genet Couns. 2013;22:258-67; Xin B et al. Am. J. Med. Genet. A. 2007;143A(22):2662-7). Alterations that disrupt the canonical splice site are expected to cause aberrant splicing, resulting in an abnormal protein or a transcript that is subject to nonsense-mediated mRNA decay. As such, this alteration is classified as a disease-causing mutation.

Women's Health and Genetics/Laboratory Corporation of America, LabCorp
Classification: Likely pathogenic for Cardiomyopathy. Last evaluated: 2020-06-29. Review status: criteria provided, single submitter. Criteria: LabCorp Variant Classification Summary - May 2015. Collection method: clinical testing. Allele origin: germline.
Comment: Variant summary: MYBPC3 c.3330+2T>A is located in a canonical splice-site and is predicted to affect mRNA splicing resulting in a significantly altered protein due to either exon skipping, shortening, or inclusion of intronic material. Several computational tools predict a significant impact on normal splicing: Four predict the variant abolishes a 5' splicing donor site. However, these predictions have yet to be confirmed by functional studies. The variant was absent in 228414 control chromosomes (gnomAD). To our knowledge, no occurrence of c.3330+2T>A in individuals affected with Cardiomyopathy and no experimental evidence demonstrating its impact on protein function have been reported. No clinical diagnostic laboratories have submitted clinical-significance assessments for this variant to ClinVar after 2014. Other variants at the same position (i.e. c.3330+2T>C, c.3330+2T>G) have been classified as pathogenic/likely pathogenic via internal testing and in ClinVar. Based on the evidence outlined above, the variant was classified as likely pathogenic.

Literature cited by the submitters: PubMed 18258667 (cited by Ambry Genetics).

NM_000256.3(MYBPC3):c.3330+2T>A

Gene: MYBPC3 (myosin binding protein C3; minus strand). Cytogenetic location: 11p11.2.
Variant type: single nucleotide variant.
Coding change: c.3330+2T>A on transcript NM_000256.3 (MANE Select); the canonical splice donor site of the intron after coding-DNA position 3330, T replaced by A.
Molecular consequence: splice donor variant.
Genome position (GRCh38, 1-based): chr11:47,333,192, A>T on the plus strand (T>A on the coding strand, the complement: MYBPC3 is on the minus strand). VCF-style: chr11-47333192-A-T. GRCh37 (hg19) VCF-style: chr11-47354743-A-T.
Identifiers: ClinVar variation 933202 (VCV000933202.3), dbSNP rs387906397, ClinGen allele CA380313996.